The following is an entry in ClinVar:

ClinVar aggregate classification (germline): Uncertain significance (1 of 4 stars; one submission).

Allele frequency attached by ClinVar (database versions not stated): gnomAD 0.00001; ExAC 0.00003; gnomAD exomes 0.00003.

Submission:

Labcorp Genetics (formerly Invitae), Labcorp
Classification: Uncertain significance. Last evaluated: 2024-01-24. Review status: criteria provided, single submitter. Criteria: Invitae Variant Classification Sherloc (09022015). Collection method: clinical testing. Allele origin: germline.
Comment: This sequence change replaces arginine, which is basic and polar, with histidine, which is basic and polar, at codon 756 of the AARS2 protein (p.Arg756His). This variant is present in population databases (rs201479603, gnomAD 0.007%). This variant has not been reported in the literature in individuals affected with AARS2-related conditions. ClinVar contains an entry for this variant (Variation ID: 2186608). Advanced modeling of protein sequence and biophysical properties (such as structural, functional, and spatial information, amino acid conservation, physicochemical variation, residue mobility, and thermodynamic stability) performed at Invitae indicates that this missense variant is not expected to disrupt AARS2 protein function with a negative predictive value of 80%. In summary, the available evidence is currently insufficient to determine the role of this variant in disease. Therefore, it has been classified as a Variant of Uncertain Significance.

NM_020745.4(AARS2):c.2267G>A (p.Arg756His)

Gene: AARS2 (alanyl-tRNA synthetase 2, mitochondrial; minus strand). Cytogenetic location: 6p21.1.
Variant type: single nucleotide variant.
Coding change: c.2267G>A on transcript NM_020745.4 (MANE Select); coding-DNA position 2267, G replaced by A.
Protein change: p.Arg756His; replaces arginine 756 with histidine.
Molecular consequence: missense variant.
Genome position (GRCh38, 1-based): chr6:44,302,899, C>T on the plus strand (G>A on the coding strand, the complement: AARS2 is on the minus strand). VCF-style: chr6-44302899-C-T. GRCh37 (hg19) VCF-style: chr6-44270636-C-T.
Other names: short protein forms R756H.
Identifiers: ClinVar variation 2186608 (VCV002186608.2), dbSNP rs201479603, ClinGen allele CA3834036.